The following is an entry in ClinVar:

NM_144991.3(TSPEAR):c.715G>T (p.Val239Leu)

Gene: TSPEAR (thrombospondin type laminin G domain and EAR repeats; minus strand). Cytogenetic location: 21q22.3.
Variant type: single nucleotide variant.
Coding change: c.715G>T on transcript NM_144991.3 (MANE Select); coding-DNA position 715, G replaced by T.
Protein change: p.Val239Leu; replaces valine 239 with leucine.
Molecular consequence: missense variant.
Genome position (GRCh38, 1-based): chr21:44,529,873, C>A on the plus strand (G>T on the coding strand, the complement: TSPEAR is on the minus strand). VCF-style: chr21-44529873-C-A. GRCh37 (hg19) VCF-style: chr21-45949756-C-A.
Other names: c.511G>T, p.Val171Leu (NM_001272037.2); short protein forms V171L, V239L.
Identifiers: ClinVar variation 2875182 (VCV002875182.3), dbSNP rs782756784, ClinGen allele CA10056879.

ClinVar aggregate classification (germline): Uncertain significance (1 of 4 stars; one submission).

Allele frequency attached by ClinVar (database versions not stated): gnomAD exomes below 0.00001; TOPMed below 0.00001; ExAC 0.00002.
gnomAD v4.1: 2 of 1,613,716 alleles (0.00012%); highest among the groups gnomAD compares: Non-Finnish European, 0.00017%; no homozygotes.

Submission:

Labcorp Genetics (formerly Invitae), Labcorp
Classification: Uncertain significance. Last evaluated: 2023-10-23. Review status: criteria provided, single submitter. Criteria: Invitae Variant Classification Sherloc (09022015). Collection method: clinical testing. Allele origin: germline.
Comment: This sequence change replaces valine, which is neutral and non-polar, with leucine, which is neutral and non-polar, at codon 239 of the TSPEAR protein (p.Val239Leu). This variant is present in population databases (rs782756784, gnomAD 0.002%). This variant has not been reported in the literature in individuals affected with TSPEAR-related conditions. Advanced modeling of protein sequence and biophysical properties (such as structural, functional, and spatial information, amino acid conservation, physicochemical variation, residue mobility, and thermodynamic stability) performed at Invitae indicates that this missense variant is not expected to disrupt TSPEAR protein function. In summary, the available evidence is currently insufficient to determine the role of this variant in disease. Therefore, it has been classified as a Variant of Uncertain Significance.